The following is an entry in ClinVar:

ClinVar aggregate classification (germline): Uncertain significance (1 of 4 stars; one submission).

Conditions:
Ataxia-telangiectasia-like disorder (ATLD). Identifiers: MedGen C1858391, MONDO:0011457.

gnomAD v4.1: 1 of 1,613,332 alleles (0.000062%); highest among the groups gnomAD compares: Non-Finnish European, 0.000085%; no homozygotes.

Submission:

Labcorp Genetics (formerly Invitae), Labcorp
Classification: Uncertain significance for Ataxia-telangiectasia-like disorder. Last evaluated: 2025-04-14. Review status: criteria provided, single submitter. Criteria: Invitae Variant Classification Sherloc (09022015). Collection method: clinical testing. Allele origin: germline.
Comment: This sequence change falls in intron 18 of the MRE11 gene. It does not directly change the encoded amino acid sequence of the MRE11 protein. This variant is not present in population databases (gnomAD no frequency). This variant has not been reported in the literature in individuals affected with MRE11-related conditions. Algorithms developed to predict the effect of sequence changes on RNA splicing suggest that this variant may disrupt the consensus splice site. In summary, the available evidence is currently insufficient to determine the role of this variant in disease. Therefore, it has been classified as a Variant of Uncertain Significance.

NM_005591.4(MRE11):c.1995-19T>A

Gene: MRE11 (MRE11 double strand break repair nuclease; minus strand). Cytogenetic location: 11q21.
Variant type: single nucleotide variant.
Coding change: c.1995-19T>A on transcript NM_005591.4 (MANE Select); 19 bases into the intron before coding-DNA position 1995, T replaced by A.
Molecular consequence: intron variant.
Genome position (GRCh38, 1-based): chr11:94,430,005, A>T on the plus strand (T>A on the coding strand, the complement: MRE11 is on the minus strand). VCF-style: chr11-94430005-A-T. GRCh37 (hg19) VCF-style: chr11-94163171-A-T.
Other names: c.1527-19T>A (NM_001440487.1, NM_001440485.1, NM_001440486.1); c.1917-19T>A (NM_001440472.1); c.1932-19T>A (NM_001440469.1, NM_001440467.1, NM_001440468.1); c.1911-19T>A (NM_001440476.1, NM_001440478.1, NM_001440474.1 and 3 more transcripts); c.1992-19T>A (NM_001440465.1, NM_001330347.2, NM_001440464.1); c.1650-19T>A (NM_001440483.1, NM_001440482.1); c.1914-19T>A (NM_001440473.1); c.1926+7172T>A (NM_001440480.1); and 8 more.
Identifiers: ClinVar variation 4710959 (VCV004710959.1).